The following is an entry in ClinVar:

ClinVar aggregate classification (germline): Uncertain significance. Review status: criteria provided, multiple submitters, no conflicts (2 of 4 stars). 3 submissions from 3 submitters: Uncertain significance (3). Last evaluated 2025-04-13.

Conditions:
Inborn genetic diseases. Identifiers: MedGen C0950123, MeSH D030342.

Allele frequency attached by ClinVar (database versions not stated): ExAC 0.00002; gnomAD exomes 0.00001.
gnomAD v4.1: 4 of 1,614,228 alleles (0.00025%); highest among the groups gnomAD compares: Admixed American, 0.0067%; no homozygotes.

Submissions (3):

Labcorp Genetics (formerly Invitae), Labcorp
Classification: Uncertain significance. Last evaluated: 2025-04-13. Review status: criteria provided, single submitter. Criteria: Invitae Variant Classification Sherloc (09022015). Collection method: clinical testing. Allele origin: germline.
Comment: This sequence change replaces alanine, which is neutral and non-polar, with threonine, which is neutral and polar, at codon 601 of the ROR2 protein (p.Ala601Thr). This variant is present in population databases (rs759056122, gnomAD 0.01%). This variant has not been reported in the literature in individuals affected with ROR2-related conditions. ClinVar contains an entry for this variant (Variation ID: 1705189). Invitae Evidence Modeling of protein sequence and biophysical properties (such as structural, functional, and spatial information, amino acid conservation, physicochemical variation, residue mobility, and thermodynamic stability) indicates that this missense variant is expected to disrupt ROR2 protein function with a positive predictive value of 80%. In summary, the available evidence is currently insufficient to determine the role of this variant in disease. Therefore, it has been classified as a Variant of Uncertain Significance.

Ambry Genetics
Classification: Uncertain significance for Inborn genetic diseases. Last evaluated: 2023-02-16. Review status: criteria provided, single submitter. Criteria: Ambry Variant Classification Scheme 2023. Collection method: clinical testing. Allele origin: germline.

Women's Health and Genetics/Laboratory Corporation of America, LabCorp
Classification: Uncertain significance. Last evaluated: 2022-08-24. Review status: criteria provided, single submitter. Criteria: LabCorp Variant Classification Summary - May 2015. Collection method: clinical testing. Allele origin: germline.
Comment: Variant summary: ROR2 c.1801G>A (p.Ala601Thr) results in a non-conservative amino acid change located in the Protein kinase domain (IPR000719) of the encoded protein sequence. Three of five in-silico tools predict a damaging effect of the variant on protein function. The variant allele was found at a frequency of 1.6e-05 in 250964 control chromosomes (gnomAD). The available data on variant occurrences in the general population are insufficient to allow any conclusion about variant significance. To our knowledge, no occurrence of c.1801G>A in individuals affected with Brachydactyly Type B1 and no experimental evidence demonstrating its impact on protein function have been reported. No clinical diagnostic laboratories have submitted clinical-significance assessments for this variant to ClinVar after 2014. Based on the evidence outlined above, the variant was classified as uncertain significance.

NM_004560.4(ROR2):c.1801G>A (p.Ala601Thr)

Gene: ROR2 (receptor tyrosine kinase like orphan receptor 2; minus strand). Cytogenetic location: 9q22.31.
Variant type: single nucleotide variant.
Coding change: c.1801G>A on transcript NM_004560.4 (MANE Select); coding-DNA position 1801, G replaced by A.
Protein change: p.Ala601Thr; replaces alanine 601 with threonine.
Molecular consequence: missense variant.
Genome position (GRCh38, 1-based): chr9:91,724,693, C>T on the plus strand (G>A on the coding strand, the complement: ROR2 is on the minus strand). VCF-style: chr9-91724693-C-T. GRCh37 (hg19) VCF-style: chr9-94486975-C-T.
Other names: short protein forms A601T.
Identifiers: ClinVar variation 1705189 (VCV001705189.5), dbSNP rs759056122, ClinGen allele CA5120557.